The following is an entry in ClinVar:

ClinVar aggregate classification (germline): Pathogenic (1 of 4 stars; one submission).

Conditions:
Chuvash polycythemia. Also called: POLYCYTHEMIA, VHL-DEPENDENT. Identifiers: Orphanet 238557, MedGen C1837915, MONDO:0009892, OMIM 263400.
Von Hippel-Lindau syndrome (VHLS). Also called: VHL syndrome; von Hippel–Lindau syndrome; Von Hippel-Lindau. Identifiers: Orphanet 892, MedGen C0019562, MONDO:0008667, OMIM 193300. Disease mechanism: loss of function.

Submission:

Labcorp Genetics (formerly Invitae), Labcorp
Classification: Pathogenic for Von Hippel-Lindau syndrome; Chuvash polycythemia. Last evaluated: 2024-09-04. Review status: criteria provided, single submitter. Criteria: Invitae Variant Classification Sherloc (09022015). Collection method: clinical testing. Allele origin: germline.
Comment: This sequence change creates a premature translational stop signal (p.Gln73*) in the VHL gene. It is expected to result in an absent or disrupted protein product. Loss-of-function variants in VHL are known to be pathogenic (PMID: 8956040, 12202531). Information on the frequency of this variant in the gnomAD database is not available, as this variant may be reported differently in the database. This variant has not been reported in the literature in individuals affected with VHL-related conditions. For these reasons, this variant has been classified as Pathogenic.

Literature cited by the submitters: PubMed 8956040; PubMed 12202531.

NM_000551.4(VHL):c.216_217delinsAT (p.Gln73Ter)

Gene: VHL (von Hippel-Lindau tumor suppressor; plus strand). Cytogenetic location: 3p25.3.
Variant type: Indel.
Coding change: c.216_217delinsAT on transcript NM_000551.4 (MANE Select); coding-DNA positions 216 to 217, CC replaced by AT.
Protein change: p.Gln73Ter; replaces glutamine 73 with a stop codon.
Molecular consequence: nonsense. On other transcripts: non-coding transcript variant (1).
Genome position (GRCh38, 1-based): chr3:10,142,063-10,142,064, CC replaced by AT. VCF-style: chr3-10142063-CC-AT. GRCh37 (hg19) VCF-style: chr3-10183747-CC-AT.
Other names: c.216_217delinsAT, p.Gln73Ter (NM_001354723.2, NM_198156.3); short protein forms Q73*.
Identifiers: ClinVar variation 3757968 (VCV003757968.2).
Genomic context (GRCh38, chr3:10,142,063, plus strand): 5'-GGAGATGGAGGCCGGGCGGCCGCGGCCCGTGCTGCGCTCGGTGAACTCGCGCGAGCCCTC[CC>AT]AGGTCATCTTCTGCAATCGCAGTCCGCGCGTCGTGCTGCCCGTATGGCTCAACTTCGACG-3'